The following is an entry in ClinVar:

ClinVar aggregate classification (germline): Uncertain significance (1 of 4 stars; one submission).

Conditions:
Peroxisome biogenesis disorder 5A (Zellweger) (PBD5A). Identifiers: Orphanet 912, MedGen C3553940, MONDO:0013932, OMIM 614866.

gnomAD v4.1: 2 of 1,614,022 alleles (0.00012%); highest among the groups gnomAD compares: Non-Finnish European, 0.00017%; no homozygotes.

Submission:

Labcorp Genetics (formerly Invitae), Labcorp
Classification: Uncertain significance for Peroxisome biogenesis disorder 5A (Zellweger). Last evaluated: 2022-07-25. Review status: criteria provided, single submitter. Criteria: Invitae Variant Classification Sherloc (09022015). Collection method: clinical testing. Allele origin: germline.
Comment: This sequence change replaces arginine, which is basic and polar, with glycine, which is neutral and non-polar, at codon 125 of the PEX2 protein (p.Arg125Gly). This variant is not present in population databases (gnomAD no frequency). This variant has not been reported in the literature in individuals affected with PEX2-related conditions. Algorithms developed to predict the effect of missense changes on protein structure and function (SIFT, PolyPhen-2, Align-GVGD) all suggest that this variant is likely to be tolerated. In summary, the available evidence is currently insufficient to determine the role of this variant in disease. Therefore, it has been classified as a Variant of Uncertain Significance.

NM_000318.3(PEX2):c.373C>G (p.Arg125Gly)

Gene: PEX2 (peroxisomal biogenesis factor 2; minus strand). Cytogenetic location: 8q21.13.
Variant type: single nucleotide variant.
Coding change: c.373C>G on transcript NM_000318.3 (MANE Select); coding-DNA position 373, C replaced by G.
Protein change: p.Arg125Gly; replaces arginine 125 with glycine.
Molecular consequence: missense variant.
Genome position (GRCh38, 1-based): chr8:76,983,806, G>C on the plus strand (C>G on the coding strand, the complement: PEX2 is on the minus strand). VCF-style: chr8-76983806-G-C. GRCh37 (hg19) VCF-style: chr8-77896042-G-C.
Other names: c.373C>G, p.Arg125Gly (NM_001079867.2, NM_001172086.2, NM_001172087.2); short protein forms R125G.
Identifiers: ClinVar variation 2093941 (VCV002093941.1), dbSNP rs61752124, ClinGen allele CA371557484.